The following is an entry in ClinVar:

NM_004370.6(COL12A1):c.8100+1G>C

Gene: COL12A1 (collagen type XII alpha 1 chain; minus strand). Cytogenetic location: 6q13.
Variant type: single nucleotide variant.
Coding change: c.8100+1G>C on transcript NM_004370.6 (MANE Select); the canonical splice donor site of the intron after coding-DNA position 8100, G replaced by C.
Molecular consequence: splice donor variant.
Genome position (GRCh38, 1-based): chr6:75,109,017, C>G on the plus strand (G>C on the coding strand, the complement: COL12A1 is on the minus strand). VCF-style: chr6-75109017-C-G. GRCh37 (hg19) VCF-style: chr6-75818733-C-G.
Other names: c.4608+1G>C (NM_001424116.1, NM_080645.3); c.7827+1G>C (NM_001424115.1); c.8079+1G>C (NM_001424114.1); c.8100+1G>C (NM_001424113.1).
Identifiers: ClinVar variation 2945618 (VCV002945618.3), dbSNP rs2533143581, ClinGen allele CA364741448.

ClinVar aggregate classification (germline): Pathogenic (1 of 4 stars; one submission).

Conditions:
Ullrich congenital muscular dystrophy 2 (UCMD2). Identifiers: Orphanet 75840, MedGen C4225314, MONDO:0014654, OMIM 616470.
Bethlem myopathy 2 (BTHLM2). Identifiers: Orphanet 536516, Orphanet 610, MedGen C4225313, MONDO:0034022, OMIM 616471.

Submission:

Labcorp Genetics (formerly Invitae), Labcorp
Classification: Pathogenic for Bethlem myopathy 2; Ullrich congenital muscular dystrophy 2. Last evaluated: 2023-03-21. Review status: criteria provided, single submitter. Criteria: Invitae Variant Classification Sherloc (09022015). Collection method: clinical testing. Allele origin: germline.
Comment: This sequence change affects a donor splice site in intron 52 of the COL12A1 gene. It is expected to disrupt RNA splicing. Variants that disrupt the donor or acceptor splice site typically lead to a loss of protein function (PMID: 16199547), however the current clinical and genetic evidence is not sufficient to establish whether loss-of-function variants in COL12A1 cause disease. This variant is not present in population databases (gnomAD no frequency). Disruption of this splice site has been observed in individuals with autosomal dominant COL12A1-related myopathy (PMID: 29342313; Invitae). It has also been observed to segregate with disease in related individuals. Algorithms developed to predict the effect of sequence changes on RNA splicing suggest that this variant may disrupt the consensus splice site. For these reasons, this variant has been classified as Pathogenic.

Literature cited by the submitters: PubMed 16199547; PubMed 29342313.